The following is an entry in ClinVar:

NM_000760.4(CSF3R):c.964A>T (p.Ser322Cys)

Gene: CSF3R (colony stimulating factor 3 receptor; minus strand). Cytogenetic location: 1p34.3.
Variant type: single nucleotide variant.
Coding change: c.964A>T on transcript NM_000760.4 (MANE Select); coding-DNA position 964, A replaced by T.
Protein change: p.Ser322Cys; replaces serine 322 with cysteine.
Molecular consequence: missense variant.
Genome position (GRCh38, 1-based): chr1:36,472,271, T>A on the plus strand (A>T on the coding strand, the complement: CSF3R is on the minus strand). VCF-style: chr1-36472271-T-A. GRCh37 (hg19) VCF-style: chr1-36937872-T-A.
Other names: c.964A>T (NM_000760.3); c.964A>T, p.Ser322Cys (NM_156039.3, NM_172313.3); short protein forms S322C.
Identifiers: ClinVar variation 1987087 (VCV001987087.3), dbSNP rs376634675, ClinGen allele CA769336.
Genomic context (GRCh38, chr1:36,472,271, plus strand): 5'-GCTCCCAGCCTCTCATCACCTCCTTACCCCGTTCGGTAGTTCTCAGCTCCAGGCTGGGGC[T>A]CCAGTCGCTCCAGTGGCCAGGCAGGGGCCAGCGGATGCAGCGTATCTGCAGGGTGTAGGC-3'
Protein context (NP_000751.1, residues 312-332): WPLPGHWSDW[Ser322Cys]PSLELRTTER

ClinVar aggregate classification (germline): Uncertain significance. Review status: criteria provided, multiple submitters, no conflicts (2 of 4 stars). 2 submissions from 2 submitters: Uncertain significance (2). Last evaluated 2026-08-04.

Conditions:
Inborn genetic diseases. Identifiers: MedGen C0950123, MeSH D030342.
Autosomal recessive severe congenital neutropenia due to CSF3R deficiency. Also called: Neutropenia, severe congenital, 7, autosomal recessive. Identifiers: Orphanet 420702, MedGen C4310764, MONDO:0014865, OMIM 617014.

Allele frequency attached by ClinVar (database versions not stated): ESP Exome Variant Server 0.00008.
gnomAD v4.1: 1 of 1,614,162 alleles (0.000062%); highest among the groups gnomAD compares: Non-Finnish European, 0.000085%; no homozygotes.

Submissions (2):

Ambry Genetics
Classification: Uncertain significance for Inborn genetic diseases. Last evaluated: 2026-08-04. Review status: criteria provided, single submitter. Criteria: Ambry Variant Classification Scheme 2023. Collection method: clinical testing. Allele origin: germline.

Labcorp Genetics (formerly Invitae), Labcorp
Classification: Uncertain significance for Autosomal recessive severe congenital neutropenia due to CSF3R deficiency. Last evaluated: 2022-10-04. Review status: criteria provided, single submitter. Criteria: Invitae Variant Classification Sherloc (09022015). Collection method: clinical testing. Allele origin: germline.
Comment: In summary, the available evidence is currently insufficient to determine the role of this variant in disease. Therefore, it has been classified as a Variant of Uncertain Significance. Advanced modeling of protein sequence and biophysical properties (such as structural, functional, and spatial information, amino acid conservation, physicochemical variation, residue mobility, and thermodynamic stability) performed at Invitae indicates that this missense variant is expected to disrupt CSF3R protein function. This variant has not been reported in the literature in individuals affected with CSF3R-related conditions. This variant is present in population databases (rs376634675, gnomAD 0.0009%). This sequence change replaces serine, which is neutral and polar, with cysteine, which is neutral and slightly polar, at codon 322 of the CSF3R protein (p.Ser322Cys).